The following is an entry in ClinVar:

NM_002471.4(MYH6):c.961G>C (p.Val321Leu)

Gene: MYH6 (myosin heavy chain 6; minus strand). Cytogenetic location: 14q11.2.
Variant type: single nucleotide variant.
Coding change: c.961G>C on transcript NM_002471.4 (MANE Select); coding-DNA position 961, G replaced by C.
Protein change: p.Val321Leu; replaces valine 321 with leucine.
Molecular consequence: missense variant.
Genome position (GRCh38, 1-based): chr14:23,402,738, C>G on the plus strand (G>C on the coding strand, the complement: MYH6 is on the minus strand). VCF-style: chr14-23402738-C-G. GRCh37 (hg19) VCF-style: chr14-23871947-C-G.
Other names: c.961G>C (NM_002471.3); short protein forms V321L.
Identifiers: ClinVar variation 1284458 (VCV001284458.5), dbSNP rs753937010, ClinGen allele CA257795387.

ClinVar aggregate classification (germline): Uncertain significance. Review status: criteria provided, single submitter (1 of 4 stars). 3 submissions from 3 submitters: Uncertain significance (1). 2 of the submissions do not count toward it. Last evaluated 2024-06-21.

Conditions:
Cardiovascular phenotype. Identifiers: MedGen CN230736.

gnomAD v4.1: 2 of 1,613,632 alleles (0.00012%); highest among the groups gnomAD compares: Non-Finnish European, 0.00017%; no homozygotes.

Submissions (3):

Ambry Genetics
Classification: Uncertain significance for Cardiovascular phenotype. Last evaluated: 2024-06-21. Review status: criteria provided, single submitter. Criteria: Ambry Variant Classification Scheme 2023. Collection method: clinical testing. Allele origin: germline.
Comment: The p.V321L variant (also known as c.961G>C), located in coding exon 9 of the MYH6 gene, results from a G to C substitution at nucleotide position 961. The valine at codon 321 is replaced by leucine, an amino acid with highly similar properties. This amino acid position is conserved. In addition, the in silico prediction for this alteration is inconclusive. Based on the available evidence, the clinical significance of this variant remains unclear.

Clinical Genetics, Academic Medical Center
Classification: Uncertain significance. Review status: no assertion criteria provided. Collection method: clinical testing. Allele origin: germline. Affected: yes. Study: VKGL Data-share Consensus. Not counted in ClinVar's aggregate classification.

Joint Genome Diagnostic Labs from Nijmegen and Maastricht, Radboudumc and MUMC+
Classification: Uncertain significance. Review status: no assertion criteria provided. Collection method: clinical testing. Allele origin: germline. Affected: yes. Study: VKGL Data-share Consensus. Not counted in ClinVar's aggregate classification.